The following is an entry in ClinVar:

NM_001080449.3(DNA2):c.2554A>G (p.Lys852Glu)

Gene: DNA2 (DNA replication helicase/nuclease 2; minus strand). Cytogenetic location: 10q21.3.
Variant type: single nucleotide variant.
Coding change: c.2554A>G on transcript NM_001080449.3 (MANE Select); coding-DNA position 2554, A replaced by G.
Protein change: p.Lys852Glu; replaces lysine 852 with glutamic acid.
Molecular consequence: missense variant. On other transcripts: non-coding transcript variant (1).
Genome position (GRCh38, 1-based): chr10:68,422,368, T>C on the plus strand (A>G on the coding strand, the complement: DNA2 is on the minus strand). VCF-style: chr10-68422368-T-C. GRCh37 (hg19) VCF-style: chr10-70182125-T-C.
Other names: short protein forms K852E.
Identifiers: ClinVar variation 1951402 (VCV001951402.5), dbSNP rs2493902722, ClinGen allele CA376845909.

ClinVar aggregate classification (germline): Uncertain significance (1 of 4 stars; one submission).

Submission:

Labcorp Genetics (formerly Invitae), Labcorp
Classification: Uncertain significance. Last evaluated: 2024-06-24. Review status: criteria provided, single submitter. Criteria: Invitae Variant Classification Sherloc (09022015). Collection method: clinical testing. Allele origin: germline.
Comment: This sequence change replaces lysine, which is basic and polar, with glutamic acid, which is acidic and polar, at codon 852 of the DNA2 protein (p.Lys852Glu). This variant is not present in population databases (gnomAD no frequency). This variant has not been reported in the literature in individuals affected with DNA2-related conditions. ClinVar contains an entry for this variant (Variation ID: 1951402). Advanced modeling of protein sequence and biophysical properties (such as structural, functional, and spatial information, amino acid conservation, physicochemical variation, residue mobility, and thermodynamic stability) performed at Invitae indicates that this missense variant is not expected to disrupt DNA2 protein function with a negative predictive value of 80%. In summary, the available evidence is currently insufficient to determine the role of this variant in disease. Therefore, it has been classified as a Variant of Uncertain Significance.